The following is an entry in ClinVar:

NM_004782.4(SNAP29):c.623A>T (p.Glu208Val)

Gene: SNAP29 (synaptosome associated protein 29; plus strand). Cytogenetic location: 22q11.21.
Variant type: single nucleotide variant.
Coding change: c.623A>T on transcript NM_004782.4 (MANE Select); coding-DNA position 623, A replaced by T.
Protein change: p.Glu208Val; replaces glutamic acid 208 with valine.
Molecular consequence: missense variant.
Genome position (GRCh38, 1-based): chr22:20,887,682, A>T. VCF-style: chr22-20887682-A-T. GRCh37 (hg19) VCF-style: chr22-21241970-A-T.
Other names: short protein forms E208V.
Identifiers: ClinVar variation 1304191 (VCV001304191.8), dbSNP rs137925620, ClinGen allele CA10117216.

ClinVar aggregate classification (germline): Uncertain significance. Review status: criteria provided, multiple submitters, no conflicts (2 of 4 stars). 3 submissions from 3 submitters: Uncertain significance (2). 1 of the submissions does not count toward it. Last evaluated 2022-09-28.

Conditions:
SNAP29-related disorder. Also called: SNAP29-related condition.

Allele frequency attached by ClinVar (database versions not stated): gnomAD exomes 0.00004 and 0.00017; ESP Exome Variant Server 0.00008; ExAC 0.00016; gnomAD 0.00042 and 0.00044; TOPMed 0.00054; 1000 Genomes Project 30x 0.00156; 1000 Genomes Project 0.00160.
gnomAD v4.1: 127 of 1,614,140 alleles (0.0079%); highest among the groups gnomAD compares: African/African-American, 0.13%; no homozygotes.

Submissions (3):

Labcorp Genetics (formerly Invitae), Labcorp
Classification: Uncertain significance. Last evaluated: 2022-09-28. Review status: criteria provided, single submitter. Criteria: Invitae Variant Classification Sherloc (09022015). Collection method: clinical testing. Allele origin: germline.
Comment: This sequence change replaces glutamic acid, which is acidic and polar, with valine, which is neutral and non-polar, at codon 208 of the SNAP29 protein (p.Glu208Val). This variant is present in population databases (rs137925620, gnomAD 0.2%). This variant has not been reported in the literature in individuals affected with SNAP29-related conditions. ClinVar contains an entry for this variant (Variation ID: 1304191). Advanced modeling of protein sequence and biophysical properties (such as structural, functional, and spatial information, amino acid conservation, physicochemical variation, residue mobility, and thermodynamic stability) performed at Invitae indicates that this missense variant is not expected to disrupt SNAP29 protein function. In summary, the available evidence is currently insufficient to determine the role of this variant in disease. Therefore, it has been classified as a Variant of Uncertain Significance.

GeneDx
Classification: Uncertain significance. Last evaluated: 2020-04-28. Review status: criteria provided, single submitter. Criteria: GeneDx Variant Classification Process June 2021. Collection method: clinical testing. Allele origin: germline. Affected: yes.
Comment: In silico analysis supports that this missense variant has a deleterious effect on protein structure/function; Has not been previously published as pathogenic or benign to our knowledge

PreventionGenetics, part of Exact Sciences
Classification: Likely benign for SNAP29-related condition. Last evaluated: 2022-02-15. Review status: no assertion criteria provided. Collection method: clinical testing. Allele origin: germline. Not counted in ClinVar's aggregate classification.
Comment: This variant is classified as likely benign based on ACMG/AMP sequence variant interpretation guidelines (Richards et al. 2015 PMID: 25741868, with internal and published modifications).